The following is an entry in ClinVar:

ClinVar aggregate classification (germline): Pathogenic. Review status: criteria provided, multiple submitters, no conflicts (2 of 4 stars). 3 submissions from 3 submitters: Pathogenic (2). 1 of the submissions does not count toward it. Last evaluated 2024-01-31.

Conditions:
Borjeson-Forssman-Lehmann syndrome (BFLS). Also called: MENTAL RETARDATION, X-LINKED, SYNDROMIC, BORJESON-FORSSMAN-LEHMANN TYPE; MENTAL RETARDATION, EPILEPSY, AND ENDOCRINE DISORDERS; BORJESON SYNDROME. Identifiers: Orphanet 127, MedGen C0265339, MONDO:0010537, OMIM 301900.

Submissions (3):

GeneDx
Classification: Pathogenic. Last evaluated: 2024-01-31. Review status: criteria provided, single submitter. Criteria: GeneDx Variant Classification Process June 2021. Collection method: clinical testing. Allele origin: germline. Affected: yes.
Comment: Not observed at significant frequency in large population cohorts (gnomAD); In silico analysis supports that this missense variant has a deleterious effect on protein structure/function; This variant is associated with the following publications: (PMID: 12415272)

Victorian Clinical Genetics Services, Murdoch Childrens Research Institute
Classification: Pathogenic for Borjeson-Forssman-Lehmann syndrome. Last evaluated: 2023-12-21. Review status: criteria provided, single submitter. Criteria: ACMG Guidelines, 2015. Collection method: clinical testing. Allele origin: germline. Inheritance: X-linked recessive inheritance. Affected: yes.
Comment: Based on the classification scheme VCGS_Germline_v1.3.4, this variant is classified as Pathogenic. Following criteria are met: 0102 - Loss of function is a known mechanism of disease in this gene and is associated with Borjeson-Forssman-Lehmann syndrome (BFLS; MIM#301900) in males; females heterozygous for pathogenic variants show an overlapping but distinct phenotype (PMID: 35662002). (I) 0109 - This gene is associated with X-linked recessive disease in males. Female with heterozygous variants may be affected; variant type and skewed X-inactivation may contribute to gender-specific phenotypes (PMID: 35662002). (I) 0200 - Variant is predicted to result in a missense amino acid change from cysteine to tyrosine. (I) 0253 - This variant is hemizygous. (I) 0301 - Variant is absent from gnomAD (both v2 and v3). (SP) 0501 - Missense variant consistently predicted to be damaging by multiple in silico tools or highly conserved with a major amino acid change. (SP) 0603 - Missense variant in a region that is highly intolerant to missense variation (high constraint region in DECIPHER). (SP) 0705 - No comparable missense variants have previous evidence for pathogenicity. (I) 0803 - This variant has limited previous evidence of pathogenicity in unrelated individuals. This variant has been observed as hemizygous and de novo in one individual with BFLS, and in several affected hemizygous males and unaffected carrier females from a large family with BFLS (PMIDs: 12415272, 15580208). (SP) 0903 - This variant has limited evidence for segregation with disease. This variant has observed as hemizygous in at least three affected males from one family with BFLS (PMID: 15580208). (SP) 1002 - This variant has moderate functional evidence supporting abnormal protein function. Functional studies in both patient cell lines and transfected cells show reduced PHF6 protein expression (PMIDs: 33772537, 30403997). (I) Legend: (SP) - Supporting pathogenic, (I) - Information, (SB) - Supporting benign

OMIM
Classification: Pathogenic for BORJESON-FORSSMAN-LEHMANN SYNDROME. Last evaluated: 2002-12-01. Review status: no assertion criteria provided. Collection method: literature only. Allele origin: germline. Not counted in ClinVar's aggregate classification.

Literature cited by the submitters: PubMed 12415272 (cited by Victorian Clinical Genetics Services, Murdoch Childrens Research Institute and OMIM); PubMed 15580208 (cited by Victorian Clinical Genetics Services, Murdoch Childrens Research Institute); PubMed 30403997 (cited by Victorian Clinical Genetics Services, Murdoch Childrens Research Institute); PubMed 33772537 (cited by Victorian Clinical Genetics Services, Murdoch Childrens Research Institute); PubMed 35662002 (cited by Victorian Clinical Genetics Services, Murdoch Childrens Research Institute).

NM_001015877.2(PHF6):c.134G>A (p.Cys45Tyr)

Gene: PHF6 (PHD finger protein 6; plus strand). Cytogenetic location: Xq26.2.
Variant type: single nucleotide variant.
Coding change: c.134G>A on transcript NM_001015877.2 (MANE Select); coding-DNA position 134, G replaced by A.
Protein change: p.Cys45Tyr; replaces cysteine 45 with tyrosine.
Molecular consequence: missense variant.
Genome position (GRCh38, 1-based): chrX:134,377,751, G>A. VCF-style: chrX-134377751-G-A. GRCh37 (hg19) VCF-style: chrX-133511781-G-A.
Other names: c.134G>A (NM_001015877.1, NM_032458.2); c.134G>A, p.Cys45Tyr (LRG_629t2, LRG_629t1, NM_032335.3 and 1 more transcripts); short protein forms C45Y.
Identifiers: ClinVar variation 11066 (VCV000011066.3), dbSNP rs132630299, ClinGen allele CA121326.
Genomic context (GRCh38, chrX:134,377,751, plus strand): 5'-ACAAGGAATGTGGACAGTTACTAATATCTGAAAACCAGAAGGTGGCAGCGCACCATAAGT[G>A]CATGGTAAGTATACCGGCAGCAACAGAGACCTTGAAACGATTCATGAGACTCTTAATAAC-3'
Protein context (NP_001015877.1, residues 35-55): ENQKVAAHHK[Cys45Tyr]MLFSSALVSS